The following is an entry in ClinVar:

ClinVar aggregate classification (germline): Likely pathogenic. Review status: criteria provided, single submitter (1 of 4 stars). 2 submissions from 2 submitters: Likely pathogenic (1). 1 of the submissions does not count toward it. Last evaluated 2022-03-31.

Conditions:
Hemolytic uremic syndrome, atypical, 8, with rhizomelic short stature (AHUS8). Identifiers: MedGen C5829585, MONDO:0957495, OMIM 301110.
Abnormal protein O-linked glycosylation. Identifiers: MedGen C4022933, HP:0012358.

Submissions (2):

Institute of Human Genetics, Cologne University
Classification: Likely pathogenic for Abnormal protein O-linked glycosylation. Last evaluated: 2022-03-31. Review status: criteria provided, single submitter. Criteria: ACMG Guidelines, 2015. Collection method: research, in vitro. Allele origin: maternal, germline, not applicable. Inheritance: X-linked inheritance. Affected: yes. Observed: 4 variant alleles, 2 heterozygotes, 2 hemizygotes. Clinical features observed: Immunodeficiency (HP:0002721), Abnormal protein O-linked glycosylation (HP:0012358), Short stature (HP:0004322), Thrombocytopenia (HP:0001873), Global developmental delay (HP:0001263). Functional consequence: Decreased function.
Comment: Germline loss-of-function variant. Extensive in vitro functional studies in one family show a subtotal loss of function of the gene product, causing a syndromic disorder of O-glycosylation in two hemizygous males and an attenuated phenotype in two heterozygous females.

OMIM
Classification: Pathogenic for HEMOLYTIC UREMIC SYNDROME, ATYPICAL, 8, WITH RHIZOMELIC SHORT STATURE. Last evaluated: 2023-09-29. Review status: no assertion criteria provided. Collection method: literature only. Allele origin: germline. Not counted in ClinVar's aggregate classification.

Literature cited by the submitters: PubMed 37216524 (cited by OMIM).

NM_001011551.3(C1GALT1C1):c.59C>A (p.Ala20Asp)

Gene: C1GALT1C1 (C1GALT1 specific chaperone 1; minus strand). Cytogenetic location: Xq24.
Variant type: single nucleotide variant.
Coding change: c.59C>A on transcript NM_001011551.3 (MANE Select); coding-DNA position 59, C replaced by A.
Protein change: p.Ala20Asp; replaces alanine 20 with aspartic acid.
Molecular consequence: missense variant.
Genome position (GRCh38, 1-based): chrX:120,627,108, G>T on the plus strand (C>A on the coding strand, the complement: C1GALT1C1 is on the minus strand). VCF-style: chrX-120627108-G-T. GRCh37 (hg19) VCF-style: chrX-119760963-G-T.
Other names: C1GALT1C1, ALA20ASP; c.59C>A, p.Ala20Asp (NM_152692.5); short protein forms A20D.
Identifiers: ClinVar variation 1675199 (VCV001675199.7), dbSNP rs2521331868, ClinGen allele CA414210751.